The following is an entry in ClinVar:

NM_032043.3(BRIP1):c.1410A>G (p.Gly470=)

Gene: BRIP1 (BRCA1 interacting DNA helicase 1; minus strand). Cytogenetic location: 17q23.2.
Variant type: single nucleotide variant.
Coding change: c.1410A>G on transcript NM_032043.3 (MANE Select); coding-DNA position 1410, A replaced by G.
Protein change: p.Gly470=; no amino-acid change (glycine 470 retained).
Molecular consequence: synonymous variant.
Genome position (GRCh38, 1-based): chr17:61,793,660, T>C on the plus strand (A>G on the coding strand, the complement: BRIP1 is on the minus strand). VCF-style: chr17-61793660-T-C. GRCh37 (hg19) VCF-style: chr17-59871021-T-C.
Identifiers: ClinVar variation 1772011 (VCV001772011.6), dbSNP rs1364147179, ClinGen allele CA501151283.

ClinVar aggregate classification (germline): Benign/Likely benign. Review status: criteria provided, multiple submitters, no conflicts (2 of 4 stars). 3 submissions from 3 submitters: Benign (1); Likely benign (2). Last evaluated 2026-01-20.

Conditions:
Fanconi anemia complementation group J. Also called: BRIP1-Related Fanconi Anemia. Identifiers: Orphanet 84, MedGen C1836860, MONDO:0012187, OMIM 609054.
Familial cancer of breast. Also called: BREAST CANCER, FAMILIAL; Hereditary breast cancer; hereditary breast carcinoma. Identifiers: Orphanet 227535, MedGen C0346153, MONDO:0016419, OMIM 114480. Disease mechanism: loss of function.
Hereditary cancer-predisposing syndrome. Also called: Tumor predisposition; Neoplastic Syndromes, Hereditary; Hereditary Cancer Syndrome; Hereditary neoplastic syndrome. Identifiers: Orphanet 140162, MedGen C0027672, MeSH D009386, MONDO:0015356.

Allele frequency attached by ClinVar (database versions not stated): gnomAD exomes below 0.00001.
gnomAD v4.1: 2 of 1,610,082 alleles (0.00012%); highest among the groups gnomAD compares: South Asian, 0.0011%; no homozygotes.

Submissions (3):

Labcorp Genetics (formerly Invitae), Labcorp
Classification: Likely benign for Familial cancer of breast; Fanconi anemia complementation group J. Last evaluated: 2026-01-20. Review status: criteria provided, single submitter. Criteria: Invitae Variant Classification Sherloc (09022015). Collection method: clinical testing. Allele origin: germline.

Myriad Genetics, Inc.
Classification: Benign for Familial cancer of breast. Last evaluated: 2024-08-27. Review status: criteria provided, single submitter. Criteria: Myriad Autosomal Dominant, Autosomal Recessive and X-Linked Classification Criteria (2023). Collection method: clinical testing. Allele origin: unknown.
Comment: This variant is considered benign. This variant is a silent/synonymous amino acid change and it is not expected to impact splicing.

Ambry Genetics
Classification: Likely benign for Hereditary cancer-predisposing syndrome. Last evaluated: 2021-09-08. Review status: criteria provided, single submitter. Criteria: Ambry Variant Classification Scheme 2023. Collection method: clinical testing. Allele origin: germline.